The following is an entry in ClinVar:

ClinVar aggregate classification (germline): Likely pathogenic (1 of 4 stars; one submission).

Conditions:
Orofaciodigital syndrome I (OFD1). Also called: OFDS I; Papillon-Leage and Psaume Syndrome; Oral-Facial-Digital Syndrome Type I. Identifiers: Orphanet 2750, MedGen C1510460, MONDO:0010702, OMIM 311200.

Submission:

Centro Nacional de Genética Medica, Administración Nacional de Laboratorios e Institutos de Salud (ANLIS) “Dr. Carlos G Malbrán”
Classification: Likely pathogenic for Orofaciodigital syndrome I. Last evaluated: 2025-05-05. Review status: criteria provided, single submitter. Criteria: ACMG Guidelines, 2015. Collection method: clinical testing. Allele origin: germline. Affected: yes. Observed: 1 variant allele.
Comment: This variant corresponds to a missense mutation in the coding sequence of exon 3/23 of the OFD1 gene, resulting in the substitution of the amino acid histidine at position 81 (basic and charged) with glutamine (polar and uncharged), (p.H81Q). This variant is located within the LIS1 (LisH) domain, a conserved domain spanning amino acids 70 to 102 (PFam: PF16045). The 33-residue LIS1 (LisH) homology motif is found in eukaryotic intracellular proteins involved in microtubule dynamics, cell migration, nucleokinesis, and chromosome segregation. This motif likely has a protein-binding function, and it has been proposed that LisH motifs contribute to the regulation of microtubule dynamics, either by mediating dimerization or by directly binding to the cytoplasmic dynein heavy chain or to microtubules (PMID: 21063442; 30286810) (PM1). The variant found is absent from population databases such as GnomAD, ExAc, or 1000 Genomes (PM2_Supporting). Most bioinformatics predictors [AlphaMissense (score: Deleterious Moderate 0.911), Revel [score: Deleterious Moderate 0.89], EVE (score: Deleterious 0.76), and BayesDel (Deleterious Strong 0.63)] classify the variant as deleterious (PP3_Moderate). The patient's phenotype is highly consistent with Orofaciodigital Syndrome type I, and the OFD1 gene is closely related to the described pathology (PP4). Therefore, and following the international rules of the American College of Medical Genetics (ACMG), the heterozygous variant identified in exon 3 of the OFD1 gene (c.243C>A (canonical transcript NM_003611.3)) is classified as Probably Pathogenic (PM1, PM2_Supporting, PP3_Moderate, and PP4).

Literature cited by the submitters: PubMed 21063442; PubMed 30286810.

NM_003611.3(OFD1):c.243C>A (p.His81Gln)

Gene: OFD1 (OFD1 centriole and centriolar satellite protein; plus strand). Cytogenetic location: Xp22.2.
Variant type: single nucleotide variant.
Coding change: c.243C>A on transcript NM_003611.3 (MANE Select); coding-DNA position 243, C replaced by A.
Protein change: p.His81Gln; replaces histidine 81 with glutamine.
Molecular consequence: missense variant. On other transcripts: 5 prime UTR variant (1).
Genome position (GRCh38, 1-based): chrX:13,736,609, C>A. VCF-style: chrX-13736609-C-A. GRCh37 (hg19) VCF-style: chrX-13754728-C-A.
Other names: c.243C>A, p.His81Gln (NM_001330209.2, NM_001440947.1, NM_001440948.1); c.-303C>A (NM_001330210.2); short protein forms H81Q.
Identifiers: ClinVar variation 4871713 (VCV004871713.1).